The following is an entry in ClinVar:

ClinVar aggregate classification (germline): Uncertain significance (1 of 4 stars; one submission).

Conditions:
Familial thoracic aortic aneurysm and aortic dissection (TAAD). Also called: Thoracic aortic aneurysms and dissections. Identifiers: Orphanet 91387, MedGen C4707243, MONDO:0019625.

Allele frequency attached by ClinVar (database versions not stated): ExAC 0.00001; gnomAD 0.00003.
gnomAD v4.1: 7 of 1,613,590 alleles (0.00043%); highest among the groups gnomAD compares: African/African-American, 0.008%; no homozygotes.

Submission:

Ambry Genetics
Classification: Uncertain significance for Familial thoracic aortic aneurysm and aortic dissection. Last evaluated: 2022-07-06. Review status: criteria provided, single submitter. Criteria: Ambry Variant Classification Scheme 2023. Collection method: clinical testing. Allele origin: germline.
Comment: The p.G224S variant (also known as c.670G>A), located in coding exon 7 of the PLOD1 gene, results from a G to A substitution at nucleotide position 670. The glycine at codon 224 is replaced by serine, an amino acid with similar properties. This amino acid position is conserved. In addition, this alteration is predicted to be tolerated by in silico analysis. Since supporting evidence is limited at this time, the clinical significance of this alteration remains unclear.

NM_000302.4(PLOD1):c.670G>A (p.Gly224Ser)

Gene: PLOD1 (procollagen-lysine,2-oxoglutarate 5-dioxygenase 1; plus strand). Cytogenetic location: 1p36.22.
Variant type: single nucleotide variant.
Coding change: c.670G>A on transcript NM_000302.4 (MANE Select); coding-DNA position 670, G replaced by A.
Protein change: p.Gly224Ser; replaces glycine 224 with serine.
Molecular consequence: missense variant.
Genome position (GRCh38, 1-based): chr1:11,956,943, G>A. VCF-style: chr1-11956943-G-A. GRCh37 (hg19) VCF-style: chr1-12017000-G-A.
Other names: c.811G>A, p.Gly271Ser (NM_001316320.2); short protein forms G224S, G271S.
Identifiers: ClinVar variation 1755037 (VCV001755037.2), dbSNP rs763724588, ClinGen allele CA598048.